The following is an entry in ClinVar:

ClinVar aggregate classification (germline): Uncertain significance (1 of 4 stars; one submission).

Submission:

GeneDx
Classification: Uncertain significance. Last evaluated: 2019-09-06. Review status: criteria provided, single submitter. Criteria: GeneDx Variant Classification Process June 2021. Collection method: clinical testing. Allele origin: germline. Affected: yes.
Comment: Not observed in large population cohorts (Lek et al., 2016); In silico analysis, which includes protein predictors and evolutionary conservation, supports a deleterious effect; Has not been previously published as pathogenic or benign to our knowledge

NM_006180.6(NTRK2):c.1862G>A (p.Gly621Asp)

Gene: NTRK2 (neurotrophic receptor tyrosine kinase 2; plus strand). Cytogenetic location: 9q21.33.
Variant type: single nucleotide variant.
Coding change: c.1862G>A on transcript NM_006180.6 (MANE Select); coding-DNA position 1862, G replaced by A.
Protein change: p.Gly621Asp; replaces glycine 621 with aspartic acid.
Molecular consequence: missense variant.
Genome position (GRCh38, 1-based): chr9:84,948,559, G>A. VCF-style: chr9-84948559-G-A. GRCh37 (hg19) VCF-style: chr9-87563474-G-A.
Other names: c.1346G>A, p.Gly449Asp (NM_001369535.1); c.1394G>A, p.Gly465Asp (NM_001369536.1); c.1778G>A, p.Gly593Asp (NM_001369534.1); c.1814G>A, p.Gly605Asp (NM_001369533.1, NM_001369532.1, NM_001018064.3); short protein forms G449D, G465D, G593D, G605D, G621D.
Identifiers: ClinVar variation 1208533 (VCV001208533.3), dbSNP rs2132884577, ClinGen allele CA374009695.
Genomic context (GRCh38, chr9:84,948,559, plus strand): 5'-TCCACCGTGAGGCCGAGCTCCTGACCAACCTCCAGCATGAGCACATCGTCAAGTTCTATG[G>A]CGTCTGCGTGGAGGGCGACCCCCTCATCATGGTCTTTGAGTACATGAAGCATGGGGACCT-3'
Protein context (NP_006171.2, residues 611-631): LQHEHIVKFY[Gly621Asp]VCVEGDPLIM